The following is an entry in ClinVar:

ClinVar aggregate classification (germline): Uncertain significance. Review status: criteria provided, multiple submitters, no conflicts (2 of 4 stars). 5 submissions from 5 submitters: Uncertain significance (4). 1 of the submissions does not count toward it. Last evaluated 2025-10-18.

Conditions:
Hereditary cancer-predisposing syndrome. Also called: Neoplastic Syndromes, Hereditary; Hereditary Cancer Syndrome; Tumor predisposition; Hereditary neoplastic syndrome. Identifiers: Orphanet 140162, MedGen C0027672, MeSH D009386, MONDO:0015356.
Microcephaly, normal intelligence and immunodeficiency (NBS). Also called: Immunodeficiency, microcephaly with normal intelligence; BERLIN BREAKAGE SYNDROME; SEEMANOVA SYNDROME II; Ataxia telangiectasia variant V1; Nijmegen breakage syndrome; Microcephaly with normal intelligence immunodeficiency and lymphoreticular malignancies. Identifiers: Orphanet 647, MedGen C0398791, MONDO:0009623, OMIM 251260.

Allele frequency attached by ClinVar (database versions not stated): gnomAD exomes below 0.00001.

Submissions (5):

Labcorp Genetics (formerly Invitae), Labcorp
Classification: Uncertain significance for Microcephaly, normal intelligence and immunodeficiency. Last evaluated: 2025-10-18. Review status: criteria provided, single submitter. Criteria: Invitae Variant Classification Sherloc (09022015). Collection method: clinical testing. Allele origin: germline.
Comment: This sequence change replaces glutamine, which is neutral and polar, with proline, which is neutral and non-polar, at codon 279 of the NBN protein (p.Gln279Pro). This variant is not present in population databases (gnomAD no frequency). This variant has not been reported in the literature in individuals affected with NBN-related conditions. ClinVar contains an entry for this variant (Variation ID: 219488). An algorithm developed to predict the effect of missense changes on protein structure and function (PolyPhen-2) suggests that this variant is likely to be disruptive. In summary, the available evidence is currently insufficient to determine the role of this variant in disease. Therefore, it has been classified as a Variant of Uncertain Significance.

Ambry Genetics
Classification: Uncertain significance for Hereditary cancer-predisposing syndrome. Last evaluated: 2023-12-24. Review status: criteria provided, single submitter. Criteria: Ambry Variant Classification Scheme 2023. Collection method: clinical testing. Allele origin: germline.
Comment: The p.Q279P variant (also known as c.836A>C), located in coding exon 7 of the NBN gene, results from an A to C substitution at nucleotide position 836. The glutamine at codon 279 is replaced by proline, an amino acid with similar properties. This amino acid position is highly conserved in available vertebrate species. In addition, the in silico prediction for this alteration is inconclusive. Since supporting evidence is limited at this time, the clinical significance of this alteration remains unclear.

Genome-Nilou Lab
Classification: Uncertain significance for Microcephaly, normal intelligence and immunodeficiency. Last evaluated: 2021-11-07. Review status: criteria provided, single submitter. Criteria: ACMG Guidelines, 2015. Collection method: clinical testing. Allele origin: germline. Affected: no.

CeGaT Center for Human Genetics Tuebingen
Classification: Uncertain significance. Last evaluated: 2019-02-01. Review status: criteria provided, single submitter. Criteria: CeGaT Center For Human Genetics Tuebingen Variant Classification Criteria Version 2. Collection method: clinical testing. Allele origin: germline. Affected: yes. Observed: 1 variant allele.

Natera, Inc.
Classification: Uncertain significance for Nijmegen breakage syndrome. Last evaluated: 2021-05-23. Review status: no assertion criteria provided. Collection method: clinical testing. Allele origin: germline. Not counted in ClinVar's aggregate classification.

NM_002485.5(NBN):c.836A>C (p.Gln279Pro)

Gene: NBN (nibrin; minus strand). Cytogenetic location: 8q21.3.
Variant type: single nucleotide variant.
Coding change: c.836A>C on transcript NM_002485.5 (MANE Select); coding-DNA position 836, A replaced by C.
Protein change: p.Gln279Pro; replaces glutamine 279 with proline.
Molecular consequence: missense variant.
Genome position (GRCh38, 1-based): chr8:89,970,424, T>G on the plus strand (A>C on the coding strand, the complement: NBN is on the minus strand). VCF-style: chr8-89970424-T-G. GRCh37 (hg19) VCF-style: chr8-90982652-T-G.
Other names: c.590A>C, p.Gln197Pro (NM_001024688.3); short protein forms Q279P, Q197P.
Identifiers: ClinVar variation 219488 (VCV000219488.56), dbSNP rs864622116, ClinGen allele CA350268.
Genomic context (GRCh38, chr8:89,970,424, plus strand): 5'-CTTTGGAGCATATCCATTATTGACTGAATCCATTTCTTCTGACAGTCAGGAATTAAGGTC[T>G]GTGAGTTTGTTATTCCTGTATCAACAACACACGTTCCCGGAGCCAAAAAGAAATTATGTT-3'
Protein context (NP_002476.2, residues 269-289): CVVDTGITNS[Gln279Pro]TLIPDCQKKW